The following is an entry in ClinVar:

NM_001903.5(CTNNA1):c.468+7A>G

Gene: CTNNA1 (catenin alpha 1; plus strand). Cytogenetic location: 5q31.2.
Variant type: single nucleotide variant.
Coding change: c.468+7A>G on transcript NM_001903.5 (MANE Select); 7 bases into the intron after coding-DNA position 468, A replaced by G.
Molecular consequence: intron variant.
Genome position (GRCh38, 1-based): chr5:138,810,211, A>G. VCF-style: chr5-138810211-A-G. GRCh37 (hg19) VCF-style: chr5-138145900-A-G.
Other names: c.468+7A>G (NM_001323982.2, NM_001323984.2, NM_001290307.3 and 3 more transcripts); c.99+7A>G (NM_001290310.3); c.159+7A>G (NM_001290309.3).
Identifiers: ClinVar variation 796527 (VCV000796527.9), dbSNP rs1581105979, ClinGen allele CA915942591.
Genomic context (GRCh38, chr5:138,810,211, plus strand): 5'-CTGATTTTGGCTGACATGGCAGATGTCTACAAATTACTTGTTCAGCTGAAAGTTGTAAGT[A>G]TACAGGCCTATGTCTGTAATTTGTTCTATCACAGGAAGATTGCTACTGGCCTTCCTTAGT-3'

ClinVar aggregate classification (germline): Likely benign. Review status: criteria provided, multiple submitters, no conflicts (2 of 4 stars). 2 submissions from 2 submitters: Likely benign (2). Last evaluated 2024-10-09.

Conditions:
Hereditary diffuse gastric adenocarcinoma (HDGC). Also called: DIFFUSE GASTRIC AND LOBULAR BREAST CANCER SYNDROME. Identifiers: Orphanet 26106, MedGen C1708349, MONDO:0007648, OMIM 137215.

gnomAD v4.1: 2 of 1,612,542 alleles (0.00012%); highest among the groups gnomAD compares: Non-Finnish European, 0.00017%; no homozygotes.

Submissions (2):

Myriad Genetics, Inc.
Classification: Likely benign for Hereditary diffuse gastric adenocarcinoma. Last evaluated: 2024-10-09. Review status: criteria provided, single submitter. Criteria: Myriad Autosomal Dominant, Autosomal Recessive and X-Linked Classification Criteria (2023). Collection method: clinical testing. Allele origin: unknown.
Comment: This variant is considered likely benign. This variant is intronic and is not expected to impact mRNA splicing.

Labcorp Genetics (formerly Invitae), Labcorp
Classification: Likely benign. Last evaluated: 2024-03-27. Review status: criteria provided, single submitter. Criteria: Invitae Variant Classification Sherloc (09022015). Collection method: clinical testing. Allele origin: germline.